The following is an entry in ClinVar:

ClinVar aggregate classification (germline): Uncertain significance. Review status: criteria provided, multiple submitters, no conflicts (2 of 4 stars). 2 submissions from 2 submitters: Uncertain significance (2). Last evaluated 2019-10-03.

Conditions:
Sideroblastic anemia 3. Also called: Sideroblastic anemia 3, pyridoxine-refractory. Identifiers: Orphanet 255132, MedGen C4225155, MONDO:0014804, OMIM 616860.

Submissions (2):

Baylor Genetics
Classification: Uncertain significance for Sideroblastic anemia 3. Last evaluated: 2019-10-03. Review status: criteria provided, single submitter. Criteria: ACMG Guidelines, 2015. Collection method: clinical testing. Allele origin: unknown. Affected: yes.
Comment: This variant was determined to be of uncertain significance according to ACMG Guidelines, 2015 [PMID:25741868].

Blueprint Genetics
Classification: Uncertain significance. Last evaluated: 2019-07-04. Review status: criteria provided, single submitter. Criteria: ACMG Guidelines, 2015. Collection method: clinical testing. Allele origin: germline.

NM_016417.3(GLRX5):c.322A>G (p.Thr108Ala)

Gene: GLRX5 (glutaredoxin 5; plus strand). Cytogenetic location: 14q32.13.
Variant type: single nucleotide variant.
Coding change: c.322A>G on transcript NM_016417.3 (MANE Select); coding-DNA position 322, A replaced by G.
Protein change: p.Thr108Ala; replaces threonine 108 with alanine.
Molecular consequence: missense variant.
Genome position (GRCh38, 1-based): chr14:95,543,973, A>G. VCF-style: chr14-95543973-A-G. GRCh37 (hg19) VCF-style: chr14-96010310-A-G.
Other names: short protein forms T108A.
Identifiers: ClinVar variation 1029603 (VCV001029603.2), dbSNP rs1891515868, ClinGen allele CA390896797.
Genomic context (GRCh38, chr14:95,543,973, plus strand): 5'-ATTTAAATAACAAATAAATGTTCTTTCTCCATAGGCATTAAAGACTATTCCAACTGGCCC[A>G]CCATCCCGCAAGTGTACCTCAATGGCGAGTTTGTAGGGGGCTGTGACATTCTTCTGCAGA-3'
Protein context (NP_057501.2, residues 98-118): QGIKDYSNWP[Thr108Ala]IPQVYLNGEF